The following is an entry in ClinVar:

NM_052813.5(CARD9):c.807+1G>T

Gene: CARD9 (caspase recruitment domain family member 9; minus strand). Cytogenetic location: 9q34.3.
Variant type: single nucleotide variant.
Coding change: c.807+1G>T on transcript NM_052813.5 (MANE Select); the canonical splice donor site of the intron after coding-DNA position 807, G replaced by T.
Molecular consequence: splice donor variant.
Genome position (GRCh38, 1-based): chr9:136,370,521, C>A on the plus strand (G>T on the coding strand, the complement: CARD9 is on the minus strand). VCF-style: chr9-136370521-C-A. GRCh37 (hg19) VCF-style: chr9-139264973-C-A.
Other names: c.807+1G>T (NM_052814.4).
Identifiers: ClinVar variation 1897178 (VCV001897178.5), dbSNP rs766530086, ClinGen allele CA375544359.

ClinVar aggregate classification (germline): Likely pathogenic (1 of 4 stars; one submission).

Conditions:
Predisposition to invasive fungal disease due to CARD9 deficiency (IMD103). Also called: CARD9 IMMUNODEFICIENCY; Candidiasis, familial, 2, autosomal recessive; IMMUNODEFICIENCY 103, SUSCEPTIBILITY TO FUNGAL INFECTIONS. Identifiers: Orphanet 457088, MedGen C1859353, MONDO:0008905, OMIM 212050.

Allele frequency attached by ClinVar (database versions not stated): TOPMed below 0.00001.

Submission:

Labcorp Genetics (formerly Invitae), Labcorp
Classification: Likely pathogenic for Predisposition to invasive fungal disease due to CARD9 deficiency. Last evaluated: 2024-11-19. Review status: criteria provided, single submitter. Criteria: Invitae Variant Classification Sherloc (09022015). Collection method: clinical testing. Allele origin: germline.
Comment: This sequence change affects a donor splice site in intron 5 of the CARD9 gene. It is expected to disrupt RNA splicing. Variants that disrupt the donor or acceptor splice site typically lead to a loss of protein function (PMID: 16199547), and loss-of-function variants in CARD9 are known to be pathogenic (PMID: 19864672, 24131138, 24231284). The frequency data for this variant in the population databases is considered unreliable, as metrics indicate poor data quality at this position in the gnomAD database. This variant has not been reported in the literature in individuals affected with CARD9-related conditions. ClinVar contains an entry for this variant (Variation ID: 1897178). Algorithms developed to predict the effect of sequence changes on RNA splicing suggest that this variant may disrupt the consensus splice site. In summary, the currently available evidence indicates that the variant is pathogenic, but additional data are needed to prove that conclusively. Therefore, this variant has been classified as Likely Pathogenic.

Literature cited by the submitters: PubMed 16199547; PubMed 19864672; PubMed 24131138; PubMed 24231284.